The following is an entry in ClinVar:

NM_006231.4(POLE):c.1130C>T (p.Ala377Val)

Gene: POLE (DNA polymerase epsilon, catalytic subunit; minus strand). Cytogenetic location: 12q24.33.
Variant type: single nucleotide variant.
Coding change: c.1130C>T on transcript NM_006231.4 (MANE Select); coding-DNA position 1130, C replaced by T.
Protein change: p.Ala377Val; replaces alanine 377 with valine.
Molecular consequence: missense variant.
Genome position (GRCh38, 1-based): chr12:132,675,494, G>A on the plus strand (C>T on the coding strand, the complement: POLE is on the minus strand). VCF-style: chr12-132675494-G-A. GRCh37 (hg19) VCF-style: chr12-133252080-G-A.
Other names: short protein forms A377V.
Identifiers: ClinVar variation 1728189 (VCV001728189.3), dbSNP rs2043026236, ClinGen allele CA387361125.

ClinVar aggregate classification (germline): Uncertain significance (1 of 4 stars; one submission).

Conditions:
Hereditary cancer-predisposing syndrome. Also called: Tumor predisposition; Hereditary Cancer Syndrome; Hereditary neoplastic syndrome; Neoplastic Syndromes, Hereditary. Identifiers: Orphanet 140162, MedGen C0027672, MeSH D009386, MONDO:0015356.

Submission:

Ambry Genetics
Classification: Uncertain significance for Hereditary cancer-predisposing syndrome. Last evaluated: 2026-01-15. Review status: criteria provided, single submitter. Criteria: Ambry Variant Classification Scheme 2023. Collection method: clinical testing. Allele origin: germline.
Comment: The p.A377V variant (also known as c.1130C>T), located in coding exon 12 of the POLE gene, results from a C to T substitution at nucleotide position 1130. The alanine at codon 377 is replaced by valine, an amino acid with similar properties. This amino acid position is well conserved in available vertebrate species. In addition, the in silico prediction for this alteration is inconclusive. Based on the available evidence, the clinical significance of this variant remains unclear.